The following is an entry in ClinVar:

ClinVar aggregate classification (germline): Uncertain significance. Review status: criteria provided, multiple submitters, no conflicts (2 of 4 stars). 3 submissions from 3 submitters: Uncertain significance (3). Last evaluated 2024-08-01.

Conditions:
Hereditary cancer-predisposing syndrome. Also called: Hereditary neoplastic syndrome; Neoplastic Syndromes, Hereditary; Tumor predisposition; Hereditary Cancer Syndrome. Identifiers: Orphanet 140162, MedGen C0027672, MeSH D009386, MONDO:0015356.
Endometrial carcinoma. Also called: Endometrial carcinoma, somatic. Identifiers: MedGen C0476089, MONDO:0002447, OMIM 608089, HP:0012114.

Allele frequency attached by ClinVar (database versions not stated): gnomAD exomes below 0.00001.

Submissions (3):

Labcorp Genetics (formerly Invitae), Labcorp
Classification: Uncertain significance. Last evaluated: 2024-08-01. Review status: criteria provided, single submitter. Criteria: Invitae Variant Classification Sherloc (09022015). Collection method: clinical testing. Allele origin: germline.
Comment: This sequence change replaces isoleucine, which is neutral and non-polar, with methionine, which is neutral and non-polar, at codon 859 of the MSH3 protein (p.Ile859Met). This variant is not present in population databases (gnomAD no frequency). This variant has not been reported in the literature in individuals affected with MSH3-related conditions. ClinVar contains an entry for this variant (Variation ID: 947488). An algorithm developed to predict the effect of missense changes on protein structure and function (PolyPhen-2) suggests that this variant is likely to be disruptive. In summary, the available evidence is currently insufficient to determine the role of this variant in disease. Therefore, it has been classified as a Variant of Uncertain Significance.

Baylor Genetics
Classification: Uncertain significance for Endometrial carcinoma. Last evaluated: 2023-09-08. Review status: criteria provided, single submitter. Criteria: ACMG Guidelines, 2015. Collection method: clinical testing. Allele origin: unknown.

Ambry Genetics
Classification: Uncertain significance for Hereditary cancer-predisposing syndrome. Last evaluated: 2022-03-17. Review status: criteria provided, single submitter. Criteria: Ambry Variant Classification Scheme 2023. Collection method: clinical testing. Allele origin: germline.
Comment: The p.I859M variant (also known as c.2577A>G), located in coding exon 19 of the MSH3 gene, results from an A to G substitution at nucleotide position 2577. The isoleucine at codon 859 is replaced by methionine, an amino acid with highly similar properties. This amino acid position is conserved. In addition, the in silico prediction for this alteration is inconclusive. Since supporting evidence is limited at this time, the clinical significance of this alteration remains unclear.

NM_002439.5(MSH3):c.2577A>G (p.Ile859Met)

Gene: MSH3 (mutS homolog 3; plus strand). Cytogenetic location: 5q14.1.
Variant type: single nucleotide variant.
Coding change: c.2577A>G on transcript NM_002439.5 (MANE Select); coding-DNA position 2577, A replaced by G.
Protein change: p.Ile859Met; replaces isoleucine 859 with methionine.
Molecular consequence: missense variant.
Genome position (GRCh38, 1-based): chr5:80,792,766, A>G. VCF-style: chr5-80792766-A-G. GRCh37 (hg19) VCF-style: chr5-80088585-A-G.
Other names: short protein forms I859M.
Identifiers: ClinVar variation 947488 (VCV000947488.13), dbSNP rs1744630266, ClinGen allele CA360272898.